The following is an entry in ClinVar:

NM_001080414.4(CCDC88C):c.3170A>G (p.Asp1057Gly)

Gene: CCDC88C (coiled-coil and HOOK domain protein 88C; minus strand). Cytogenetic location: 14q32.11.
Variant type: single nucleotide variant.
Coding change: c.3170A>G on transcript NM_001080414.4 (MANE Select); coding-DNA position 3170, A replaced by G.
Protein change: p.Asp1057Gly; replaces aspartic acid 1057 with glycine.
Molecular consequence: missense variant.
Genome position (GRCh38, 1-based): chr14:91,307,063, T>C on the plus strand (A>G on the coding strand, the complement: CCDC88C is on the minus strand). VCF-style: chr14-91307063-T-C. GRCh37 (hg19) VCF-style: chr14-91773407-T-C.
Other names: short protein forms D1057G.
Identifiers: ClinVar variation 1030083 (VCV001030083.4), dbSNP rs548699524, ClinGen allele CA7309450.

ClinVar aggregate classification (germline): Uncertain significance. Review status: criteria provided, multiple submitters, no conflicts (2 of 4 stars). 3 submissions from 3 submitters: Uncertain significance (3). Last evaluated 2024-03-25.

Conditions:
Spinocerebellar ataxia type 40. Identifiers: Orphanet 423275, MedGen C4518336, MONDO:0014475, OMIM 616053.
Hydrocephalus, nonsyndromic, autosomal recessive 1 (HYC1). Also called: Hydrocephalus, nonsyndromic, autosomal recessive; Congenital hydrocephalus 1. Identifiers: Orphanet 2185, MedGen C3887608, MONDO:0009360, OMIM 236600.

Allele frequency attached by ClinVar (database versions not stated): ExAC 0.00003; gnomAD exomes 0.00004; gnomAD 0.00006 and 0.00007; TOPMed 0.00007.
gnomAD v4.1: 74 of 1,613,414 alleles (0.0046%); highest among the groups gnomAD compares: Middle Eastern, 0.2%; no homozygotes.

Submissions (3):

Genomic Medicine Center of Excellence, King Faisal Specialist Hospital and Research Centre
Classification: Uncertain significance for Hydrocephalus, nonsyndromic, autosomal recessive 1. Last evaluated: 2024-03-25. Review status: criteria provided, single submitter. Criteria: ACMG Guidelines, 2015. Collection method: research. Allele origin: germline.

Baylor Genetics
Classification: Uncertain significance for Spinocerebellar ataxia type 40. Last evaluated: 2020-01-21. Review status: criteria provided, single submitter. Criteria: ACMG Guidelines, 2015. Collection method: clinical testing. Allele origin: unknown. Affected: yes.
Comment: This variant was determined to be of uncertain significance according to ACMG Guidelines, 2015 [PMID:25741868].

Breakthrough Genomics
Classification: Uncertain significance. Review status: criteria provided, single submitter. Criteria: ACMG Guidelines, 2015. Collection method: not provided. Allele origin: germline. Inheritance: Autosomal recessive inheritance. Affected: yes.